The following is an entry in ClinVar:

NM_005562.3(LAMC2):c.1438G>A (p.Val480Met)

Gene: LAMC2 (laminin subunit gamma 2; plus strand). Cytogenetic location: 1q25.3.
Variant type: single nucleotide variant.
Coding change: c.1438G>A on transcript NM_005562.3 (MANE Select); coding-DNA position 1438, G replaced by A.
Protein change: p.Val480Met; replaces valine 480 with methionine.
Molecular consequence: missense variant.
Genome position (GRCh38, 1-based): chr1:183,227,667, G>A. VCF-style: chr1-183227667-G-A. GRCh37 (hg19) VCF-style: chr1-183196802-G-A.
Other names: c.1438G>A, p.Val480Met (NM_018891.3); c.1438G>A (NM_005562.2); short protein forms V480M.
Identifiers: ClinVar variation 2202157 (VCV002202157.6), dbSNP rs773229937, ClinGen allele CA1282617.

ClinVar aggregate classification (germline): Conflicting classifications of pathogenicity. Review status: criteria provided, conflicting classifications (1 of 4 stars). 3 submissions from 3 submitters: Uncertain significance (1); Likely benign (2). Last evaluated 2026-03-09.

Conditions:
LAMC2-related disorder. Also called: LAMC2-related condition.
Inborn genetic diseases. Identifiers: MedGen C0950123, MeSH D030342.

Allele frequency attached by ClinVar (database versions not stated): TOPMed 0.00003; gnomAD 0.00009; ExAC 0.00023.
gnomAD v4.1: 169 of 1,614,088 alleles (0.01%); highest among the groups gnomAD compares: South Asian, 0.14%; 1 homozygote.

Submissions (3):

PreventionGenetics, part of Exact Sciences
Classification: Likely benign for LAMC2-related condition. Last evaluated: 2026-03-09. Review status: criteria provided, single submitter. Criteria: ACMG Guidelines, 2015. Collection method: clinical testing. Allele origin: germline.
Comment: This variant is classified as likely benign based on ACMG/AMP sequence variant interpretation guidelines (Richards et al. 2015 PMID: 25741868, with internal and published modifications).

Ambry Genetics
Classification: Uncertain significance for Inborn genetic diseases. Last evaluated: 2025-07-13. Review status: criteria provided, single submitter. Criteria: Ambry Variant Classification Scheme 2023. Collection method: clinical testing. Allele origin: germline.

Labcorp Genetics (formerly Invitae), Labcorp
Classification: Likely benign. Last evaluated: 2024-03-17. Review status: criteria provided, single submitter. Criteria: Invitae Variant Classification Sherloc (09022015). Collection method: clinical testing. Allele origin: germline.